The following is an entry in ClinVar:

ClinVar aggregate classification (germline): Uncertain significance. Review status: criteria provided, multiple submitters, no conflicts (2 of 4 stars). 2 submissions from 2 submitters: Uncertain significance (2). Last evaluated 2025-02-06.

Conditions:
Intellectual developmental disorder, autosomal recessive 50. Also called: Intellectual disability, autosomal recessive 50. Identifiers: Orphanet 88616, MedGen C4225319, MONDO:0014649, OMIM 616460.

Allele frequency attached by ClinVar (database versions not stated): ExAC 0.00001; gnomAD exomes 0.00001.
gnomAD v4.1: 12 of 1,614,030 alleles (0.00074%); highest among the groups gnomAD compares: Admixed American, 0.005%; no homozygotes.

Submissions (2):

Ambry Genetics
Classification: Uncertain significance. Last evaluated: 2025-02-06. Review status: criteria provided, single submitter. Criteria: Ambry Variant Classification Scheme 2023. Collection method: clinical testing. Allele origin: germline.

Breda Genetics srl
Classification: Uncertain significance for Intellectual developmental disorder, autosomal recessive 50. Last evaluated: 2021-01-22. Review status: criteria provided, single submitter. Criteria: ACMG Guidelines, 2015. Collection method: clinical testing. Allele origin: germline. Inheritance: Autosomal recessive inheritance. Affected: yes. Observed: 1 variant allele, 1 heterozygote.
Comment: Based on allele frequency, in-silico prediction scores and a certain overlap with the clinical phenotype, we interpreted this variant at least as of uncertain significance. The lack of one or more of the following features has discouraged further investigations: lack of a possible second hit in autosomal recessive conditions, presence of healthy controls in databases for autosomal dominant conditions, presence of unmatching cardinal clinical features in the patient or in the known gene-disease association, and/or variant type outside the known gene mutational spectrum.

NM_025083.5(EDC3):c.778C>T (p.Arg260Trp)

Gene: EDC3 (enhancer of mRNA decapping 3; minus strand). Cytogenetic location: 15q24.1.
Variant type: single nucleotide variant.
Coding change: c.778C>T on transcript NM_025083.5 (MANE Select); coding-DNA position 778, C replaced by T.
Protein change: p.Arg260Trp; replaces arginine 260 with tryptophan.
Molecular consequence: missense variant.
Genome position (GRCh38, 1-based): chr15:74,655,775, G>A on the plus strand (C>T on the coding strand, the complement: EDC3 is on the minus strand). VCF-style: chr15-74655775-G-A. GRCh37 (hg19) VCF-style: chr15-74948116-G-A.
Other names: c.778C>T, p.Arg260Trp (NM_001142443.3, NM_001142444.3, NM_001351378.2); c.343C>T, p.Arg115Trp (NM_001351379.2); c.778C>T (NM_001142443.1); short protein forms R115W, R260W.
Identifiers: ClinVar variation 1299237 (VCV001299237.2), dbSNP rs748142645, ClinGen allele CA7659036.